The following is an entry in ClinVar:

ClinVar aggregate classification (germline): Pathogenic (1 of 4 stars; one submission).

Conditions:
Inflammatory bowel disease 28. Also called: Inflammatory bowel disease 28, early onset, autosomal recessive. Identifiers: Orphanet 238569, MedGen C2751053, MONDO:0013153, OMIM 613148.

Submission:

Labcorp Genetics (formerly Invitae), Labcorp
Classification: Pathogenic for Inflammatory bowel disease 28. Last evaluated: 2025-02-10. Review status: criteria provided, single submitter. Criteria: Invitae Variant Classification Sherloc (09022015). Collection method: clinical testing. Allele origin: germline.
Comment: This sequence change creates a premature translational stop signal (p.Arg147Profs*4) in the IL10RA gene. It is expected to result in an absent or disrupted protein product. Loss-of-function variants in IL10RA are known to be pathogenic (PMID: 24216686, 25373860, 26822028). This variant is not present in population databases (gnomAD no frequency). This variant has not been reported in the literature in individuals affected with IL10RA-related conditions. ClinVar contains an entry for this variant (Variation ID: 2022922). For these reasons, this variant has been classified as Pathogenic.

Literature cited by the submitters: PubMed 24216686; PubMed 25373860; PubMed 26822028.

NM_001558.4(IL10RA):c.439_452del (p.Arg147fs)

Gene: IL10RA (interleukin 10 receptor subunit alpha; plus strand). Cytogenetic location: 11q23.3.
Variant type: Deletion.
Coding change: c.439_452del on transcript NM_001558.4 (MANE Select); coding-DNA positions 439 to 452, 14 bases deleted (AGGCCCAAGATGGC).
Protein change: p.Arg147fs; shifts the reading frame from arginine 147.
Molecular consequence: frameshift variant. On other transcripts: non-coding transcript variant (1).
Genome position (GRCh38, 1-based): chr11:117,993,312-117,993,325, AGGCCCAAGATGGC deleted; deleting any 14 consecutive bases within chr11:117,993,311-117,993,325 gives the same sequence; the c. name uses the placement nearest the transcript's 3' end. VCF-style (leftmost placement, unchanged base first): chr11-117993310-CCAGGCCCAAGATGG-C. GRCh37 (hg19) VCF-style: chr11-117864025-CCAGGCCCAAGATGG-C.
Other names: short protein forms R147fs.
Identifiers: ClinVar variation 2022922 (VCV002022922.4), dbSNP rs2496780587, ClinGen allele CA2580083604.